The following is an entry in ClinVar:

ClinVar aggregate classification (germline): Conflicting classifications of pathogenicity. Review status: criteria provided, conflicting classifications (1 of 4 stars). 2 submissions from 2 submitters: Likely pathogenic (1); Uncertain significance (1). Last evaluated 2023-04-07.

Conditions:
Autosomal dominant hypocalcemia 1 (HYPOC1). Also called: HYPOCALCEMIA, FAMILIAL. Identifiers: MedGen C3715128, MONDO:0011013, OMIM 601198.
Familial hypocalciuric hypercalcemia (FHH). Also called: Familial benign hypercalcemia. Identifiers: Orphanet 405, MedGen C1809471, MONDO:0018458.
Familial hypocalciuric hypercalcemia 1. Also called: Hypercalcemia, familial benign type 1. Identifiers: Orphanet 405, Orphanet 93372, MedGen C0342637, MONDO:0007791, OMIM 145980.

Submissions (2):

Labcorp Genetics (formerly Invitae), Labcorp
Classification: Uncertain significance for Familial hypocalciuric hypercalcemia; Autosomal dominant hypocalcemia 1. Last evaluated: 2023-04-07. Review status: criteria provided, single submitter. Criteria: Invitae Variant Classification Sherloc (09022015). Collection method: clinical testing. Allele origin: germline.
Comment: This variant has not been reported in the literature in individuals affected with CASR-related conditions. This variant is not present in population databases (gnomAD no frequency). This sequence change replaces cysteine, which is neutral and slightly polar, with serine, which is neutral and polar, at codon 236 of the CASR protein (p.Cys236Ser). An algorithm developed to predict the effect of missense changes on protein structure and function (PolyPhen-2) suggests that this variant is likely to be disruptive. In summary, the available evidence is currently insufficient to determine the role of this variant in disease. Therefore, it has been classified as a Variant of Uncertain Significance.

Clinical Genetics Service, Universitary Hospital 12 de Octubre
Classification: Likely pathogenic for Familial hypocalciuric hypercalcemia 1. Review status: criteria provided, single submitter. Criteria: ACMG Guidelines, 2015. Collection method: clinical testing. Allele origin: germline. Affected: yes.

NM_000388.4(CASR):c.706T>A (p.Cys236Ser)

Gene: CASR (calcium sensing receptor; plus strand). Cytogenetic location: 3q21.1.
Variant type: single nucleotide variant.
Coding change: c.706T>A on transcript NM_000388.4 (MANE Select); coding-DNA position 706, T replaced by A.
Protein change: p.Cys236Ser; replaces cysteine 236 with serine.
Molecular consequence: missense variant.
Genome position (GRCh38, 1-based): chr3:122,261,741, T>A. VCF-style: chr3-122261741-T-A. GRCh37 (hg19) VCF-style: chr3-121980588-T-A.
Other names: c.706T>A, p.Cys236Ser (NM_001178065.2); c.706T>A (NM_001178065.1); short protein forms C236S.
Identifiers: ClinVar variation 2943236 (VCV002943236.4), dbSNP rs2473226100, ClinGen allele CA354151173.